The following is an entry in ClinVar:

ClinVar aggregate classification (germline): Uncertain significance. Review status: criteria provided, multiple submitters, no conflicts (2 of 4 stars). 2 submissions from 2 submitters: Uncertain significance (2). Last evaluated 2026-04-01.

Conditions:
Hereditary cancer-predisposing syndrome. Also called: Neoplastic Syndromes, Hereditary; Tumor predisposition; Hereditary Cancer Syndrome; Hereditary neoplastic syndrome. Identifiers: Orphanet 140162, MedGen C0027672, MeSH D009386, MONDO:0015356.
Tuberous sclerosis 1 (TSC1). Identifiers: Orphanet 805, MedGen C1854465, MONDO:0008612, OMIM 191100.

Allele frequency attached by ClinVar (database versions not stated): gnomAD exomes below 0.00001; ExAC 0.00001.

Submissions (3):

Ambry Genetics
Classification: Uncertain significance for Hereditary cancer-predisposing syndrome. Last evaluated: 2026-04-01. Review status: criteria provided, single submitter. Criteria: Ambry Variant Classification Scheme 2023. Collection method: clinical testing. Allele origin: germline.
Comment: The c.1334-3C>T intronic variant results from a C to T substitution 3 nucleotides upstream from coding exon 12 in the TSC1 gene. This nucleotide position is not well conserved in available vertebrate species. In silico splice site analysis predicts that this alteration will not have any significant effect on splicing. Based on the available evidence, the clinical significance of this variant remains unclear.

Labcorp Genetics (formerly Invitae), Labcorp
Classification: Uncertain significance for Tuberous sclerosis 1. Last evaluated: 2019-01-29. Review status: criteria provided, single submitter. Criteria: Invitae Variant Classification Sherloc (09022015). Collection method: clinical testing. Allele origin: germline.
Comment: In summary, the available evidence is currently insufficient to determine the role of this variant in disease. Therefore, it has been classified as a Variant of Uncertain Significance. This sequence change falls in intron 13 of the TSC1 gene. It does not directly change the encoded amino acid sequence of the TSC1 protein, but it affects a nucleotide within the consensus splice site of the intron. This variant is present in population databases (rs766782582, ExAC 0.002%). This variant has not been reported in the literature in individuals with TSC1-related conditions. Nucleotide substitutions within the consensus splice site are a relatively common cause of aberrant splicing (PMID: 17576681, 9536098). Algorithms developed to predict the effect of sequence changes on RNA splicing suggest that this variant is not likely to affect RNA splicing, but this prediction has not been confirmed by published transcriptional studies.

Dr. Peter K. Rogan Lab, Western University
No classification provided (evidence only). Condition: Cervical cancer. Review status: no classification provided. Collection method: in vitro. Allele origin: not applicable. Functional consequence: retained intron. Not counted in ClinVar's aggregate classification.

Literature cited by the submitters: PubMed 17576681 (cited by Labcorp Genetics (formerly Invitae), Labcorp); PubMed 9536098 (cited by Labcorp Genetics (formerly Invitae), Labcorp).

NM_000368.5(TSC1):c.1334-3C>T

Gene: TSC1 (TSC complex subunit 1; minus strand). Cytogenetic location: 9q34.13.
Variant type: single nucleotide variant.
Coding change: c.1334-3C>T on transcript NM_000368.5 (MANE Select); 3 bases into the intron before coding-DNA position 1334, C replaced by T.
Molecular consequence: intron variant.
Genome position (GRCh38, 1-based): chr9:132,906,838, G>A on the plus strand (C>T on the coding strand, the complement: TSC1 is on the minus strand). VCF-style: chr9-132906838-G-A. GRCh37 (hg19) VCF-style: chr9-135782225-G-A.
Other names: c.971-3C>T (NM_001362177.2); c.1181-3C>T (NM_001162427.2); c.1331-3C>T (NM_001162426.2).
Identifiers: ClinVar variation 858652 (VCV000858652.11), dbSNP rs766782582, ClinGen allele CA028296.
Genomic context (GRCh38, chr9:132,906,838, plus strand): 5'-CCTAAAAACCCTGGAAGATCACTTAGAGTGACAGAACCTTTGCTGCCAGGTGGCTCTTCT[G>A]AAGAGAAACAAAGACAACTGAAGTCAAAGAAATACAGTGTAATCCCTGTAAGTGTAAAAC-3'